The following is an entry in ClinVar:

NM_024915.4(GRHL2):c.1335A>G (p.Gln445=)

Gene: GRHL2 (grainyhead like transcription factor 2; plus strand). Cytogenetic location: 8q22.3.
Variant type: single nucleotide variant.
Coding change: c.1335A>G on transcript NM_024915.4 (MANE Select); coding-DNA position 1335, A replaced by G.
Protein change: p.Gln445=; no amino-acid change (glutamine 445 retained).
Molecular consequence: synonymous variant.
Genome position (GRCh38, 1-based): chr8:101,631,714, A>G. VCF-style: chr8-101631714-A-G. GRCh37 (hg19) VCF-style: chr8-102643942-A-G.
Other names: c.1287A>G, p.Gln429= (NM_001330593.2).
Identifiers: ClinVar variation 3030376 (VCV003030376.2), dbSNP rs777317774, ClinGen allele CA4830536.
Genomic context (GRCh38, chr8:101,631,714, plus strand): 5'-CCGAGATGAAGAGCGGAAGCAGAACAGGAAGAAAGGGAAAGGCCAGGCCTCCCAAACTCA[A>G]TGCAACAGCTGTGAGTTTCACTGAGACTAATGTTGCTTTCTAAAGACTCCAGGTGGGCTG-3'
Protein context (NP_079191.2, residues 435-455): KKGKGQASQT[Gln445=]CNSSSDGKLA

ClinVar aggregate classification (germline): Likely benign (0 of 4 stars; one submission).

Conditions:
GRHL2-related disorder. Also called: GRHL2-related disorders; GRHL2-related condition.

Allele frequency attached by ClinVar (database versions not stated): TOPMed below 0.00001; 1000 Genomes Project 30x 0.00016.
gnomAD v4.1: 26 of 1,612,056 alleles (0.0016%); highest among the groups gnomAD compares: African/African-American, 0.0027%; no homozygotes.

Submission:

PreventionGenetics, part of Exact Sciences
Classification: Likely benign for GRHL2-related condition. Last evaluated: 2023-11-07. Review status: no assertion criteria provided. Collection method: clinical testing. Allele origin: germline.
Comment: This variant is classified as likely benign based on ACMG/AMP sequence variant interpretation guidelines (Richards et al. 2015 PMID: 25741868, with internal and published modifications).